The following is an entry in ClinVar:

NM_000179.3(MSH6):c.3802-2A>G

Gene: MSH6 (mutS homolog 6; plus strand). Cytogenetic location: 2p16.3.
Variant type: single nucleotide variant.
Coding change: c.3802-2A>G on transcript NM_000179.3 (MANE Select); the canonical splice acceptor site of the intron before coding-DNA position 3802, A replaced by G.
Molecular consequence: splice acceptor variant. On other transcripts: intron variant (2).
Genome position (GRCh38, 1-based): chr2:47,806,450, A>G. VCF-style: chr2-47806450-A-G. GRCh37 (hg19) VCF-style: chr2-48033589-A-G.
Other names: c.3802-2A>G (NM_001406809.1, NM_001406796.1, NM_001406808.1); c.2896-2A>G (NM_001406811.1, NM_001406814.1, NM_001281493.2 and 6 more transcripts); c.3505-2A>G (NM_001406805.1, NM_001406797.1, NM_001406801.1 and 10 more transcripts); c.3898-2A>G (NM_001406795.1); c.3897+92A>G (NM_001406802.1); c.3808-2A>G (NM_001406813.1); c.3277-2A>G (NM_001406807.1, NM_001406799.1, NM_001406806.1); c.3802-15A>G (NM_001406800.1); and 9 more.
Identifiers: ClinVar variation 2096987 (VCV002096987.8), dbSNP rs2104550873, ClinGen allele CA346761207.

ClinVar aggregate classification (germline): Pathogenic/Likely pathogenic. Review status: criteria provided, multiple submitters, no conflicts (2 of 4 stars). 4 submissions from 4 submitters: Pathogenic (1); Likely pathogenic (3). Last evaluated 2025-12-29.

Conditions:
Lynch syndrome 5 (LYNCH5). Also called: Colorectal cancer, hereditary nonpolyposis, type 5; Hereditary non-polyposis colorectal cancer, type 5. Identifiers: Orphanet 144, MedGen C1833477, MONDO:0013710, OMIM 614350. Disease mechanism: loss of function.
Hereditary nonpolyposis colorectal neoplasms. Identifiers: MedGen C0009405, MeSH D003123.
Hereditary cancer-predisposing syndrome. Also called: Hereditary neoplastic syndrome; Neoplastic Syndromes, Hereditary; Tumor predisposition; Hereditary Cancer Syndrome. Identifiers: Orphanet 140162, MedGen C0027672, MeSH D009386, MONDO:0015356.

Submissions (4):

Center for Genomic Medicine, Rigshospitalet, Copenhagen University Hospital
Classification: Pathogenic. Last evaluated: 2025-12-29. Review status: criteria provided, single submitter. Criteria: ACMG Guidelines, 2015. Collection method: clinical testing. Allele origin: germline.
Comment: Classification criteria: PVS1, PM2_supporting, PP4

Myriad Genetics, Inc.
Classification: Likely pathogenic for Lynch syndrome 5. Last evaluated: 2023-08-25. Review status: criteria provided, single submitter. Criteria: Myriad Autosomal Dominant, Autosomal Recessive and X-Linked Classification Criteria (2023). Collection method: clinical testing. Allele origin: unknown.
Comment: This variant is considered likely pathogenic. This variant occurs within a consensus splice junction and is predicted to result in abnormal mRNA splicing of either an out-of-frame exon or an in-frame exon necessary for protein stability and/or normal function.

Labcorp Genetics (formerly Invitae), Labcorp
Classification: Likely pathogenic for Hereditary nonpolyposis colorectal neoplasms. Last evaluated: 2022-02-12. Review status: criteria provided, single submitter. Criteria: Invitae Variant Classification Sherloc (09022015). Collection method: clinical testing. Allele origin: germline.
Comment: Algorithms developed to predict the effect of sequence changes on RNA splicing suggest that this variant may disrupt the consensus splice site. This sequence change affects an acceptor splice site in intron 8 of the MSH6 gene. It is expected to disrupt RNA splicing. Variants that disrupt the donor or acceptor splice site typically lead to a loss of protein function (PMID: 16199547), and loss-of-function variants in MSH6 are known to be pathogenic (PMID: 18269114, 24362816). This variant is not present in population databases (gnomAD no frequency). This variant has not been reported in the literature in individuals affected with MSH6-related conditions. In summary, the currently available evidence indicates that the variant is pathogenic, but additional data are needed to prove that conclusively. Therefore, this variant has been classified as Likely Pathogenic.

Color Diagnostics, LLC DBA Color Health
Classification: Likely pathogenic for Hereditary cancer-predisposing syndrome. Last evaluated: 2021-07-25. Review status: criteria provided, single submitter. Criteria: ACMG Guidelines, 2015. Collection method: clinical testing. Allele origin: germline.
Comment: This variant causes an A to G nucleotide substitution at the -2 position of intron 8 of the MSH6 gene. Splice site prediction tools predict that this variant may have a significant impact on RNA splicing. To our knowledge, functional studies have not been reported for this variant. This variant has not been reported in individuals affected with hereditary cancer in the literature. This variant has not been identified in the general population by the Genome Aggregation Database (gnomAD). Loss of MSH6 function is a known mechanism of disease. Based on the available evidence, this variant is classified as Likely Pathogenic.

Literature cited by the submitters: PubMed 16199547 (cited by Labcorp Genetics (formerly Invitae), Labcorp); PubMed 18269114 (cited by Labcorp Genetics (formerly Invitae), Labcorp); PubMed 24362816 (cited by Labcorp Genetics (formerly Invitae), Labcorp).